The following is an entry in ClinVar:

ClinVar aggregate classification (germline): Pathogenic (1 of 4 stars; one submission).

Conditions:
Fanconi anemia (FA). Also called: Fanconi's anemia. Identifiers: Orphanet 84, MedGen C0015625, MeSH D005199, MONDO:0019391.

Submission:

Labcorp Genetics (formerly Invitae), Labcorp
Classification: Pathogenic for Fanconi anemia. Last evaluated: 2024-05-05. Review status: criteria provided, single submitter. Criteria: Invitae Variant Classification Sherloc (09022015). Collection method: clinical testing. Allele origin: germline.
Comment: This sequence change creates a premature translational stop signal (p.Lys331*) in the FANCC gene. It is expected to result in an absent or disrupted protein product. Loss-of-function variants in FANCC are known to be pathogenic (PMID: 17924555). This variant is not present in population databases (gnomAD no frequency). This variant has not been reported in the literature in individuals affected with FANCC-related conditions. For these reasons, this variant has been classified as Pathogenic.

Literature cited by the submitters: PubMed 17924555.

NM_000136.3(FANCC):c.991A>T (p.Lys331Ter)

Genes: AOPEP (aminopeptidase O (putative); plus strand), FANCC (FA complementation group C; minus strand). Cytogenetic location: 9q22.32.
Variant type: single nucleotide variant.
Coding change: c.991A>T on transcript NM_000136.3 (MANE Select); coding-DNA position 991, A replaced by T.
Protein change: p.Lys331Ter; replaces lysine 331 with a stop codon.
Molecular consequence: nonsense.
Genome position (GRCh38, 1-based): chr9:95,125,091, T>A on the plus strand (A>T on the coding strand, the complement: FANCC is on the minus strand). VCF-style: chr9-95125091-T-A. GRCh37 (hg19) VCF-style: chr9-97887373-T-A.
Other names: c.991A>T, p.Lys331Ter (NM_001243743.2, NM_001243744.2); short protein forms K331*.
Identifiers: ClinVar variation 3652235 (VCV003652235.2).